The following is an entry in ClinVar:

NM_172107.4(KCNQ2):c.937G>T (p.Gly313Trp)

Gene: KCNQ2 (potassium voltage-gated channel subfamily Q member 2; minus strand). Cytogenetic location: 20q13.33.
Variant type: single nucleotide variant.
Coding change: c.937G>T on transcript NM_172107.4 (MANE Select); coding-DNA position 937, G replaced by T.
Protein change: p.Gly313Trp; replaces glycine 313 with tryptophan.
Molecular consequence: missense variant.
Genome position (GRCh38, 1-based): chr20:63,438,711, C>A on the plus strand (G>T on the coding strand, the complement: KCNQ2 is on the minus strand). VCF-style: chr20-63438711-C-A. GRCh37 (hg19) VCF-style: chr20-62070064-C-A.
Other names: p.G313W:GGG>TGG; c.937G>T, p.Gly313Trp (NM_004518.6, NM_172106.3, NM_172108.5 and 1 more transcripts); short protein forms G313W.
Identifiers: ClinVar variation 205890 (VCV000205890.6), dbSNP rs796052639, ClinGen allele CA315414.

ClinVar aggregate classification (germline): Conflicting classifications of pathogenicity. Review status: criteria provided, conflicting classifications (1 of 4 stars). 3 submissions from 3 submitters: Pathogenic (1); Likely pathogenic (1); Uncertain significance (1). Last evaluated 2024-12-09.

Conditions:
Early-infantile DEE. Also called: Ohtahara syndrome; Early infantile epileptic encephalopathy; Early infantile epileptic encephalopathy with suppression bursts. Identifiers: Orphanet 1934, MedGen C0393706, MONDO:0800491.
Inborn genetic diseases. Identifiers: MedGen C0950123, MeSH D030342.

Submissions (3):

Ambry Genetics
Classification: Pathogenic for Inborn genetic diseases. Last evaluated: 2024-12-09. Review status: criteria provided, single submitter. Criteria: Ambry Variant Classification Scheme 2023. Collection method: clinical testing. Allele origin: germline.
Comment: The c.937G>T (p.G313W) alteration is located in exon 7 (coding exon 7) of the KCNQ2 gene. This alteration results from a G to T substitution at nucleotide position 937, causing the glycine (G) at amino acid position 313 to be replaced by a tryptophan (W). This variant was not reported in population-based cohorts in the Genome Aggregation Database (gnomAD). This variant was determined to be de novo in at least one individual with features consistent with KCNQ2-related seizure disorders (external communication). Other variant(s) at the same codon, c.937G>A (p.G313R) and c.938G>T (p.G313V), have been identified in individual(s) with features consistent with KCNQ2-related seizure disorders (Olson, 2017; external communication). This amino acid position is highly conserved in available vertebrate species. This missense alteration is located in a region that has a low rate of benign missense variation (Lek, 2016; Firth, 2009). This alteration is predicted to be deleterious by in silico analysis. Based on the available evidence, this alteration is classified as pathogenic.

Labcorp Genetics (formerly Invitae), Labcorp
Classification: Likely pathogenic for Early-infantile DEE. Last evaluated: 2023-02-24. Review status: criteria provided, single submitter. Criteria: Invitae Variant Classification Sherloc (09022015). Collection method: clinical testing. Allele origin: germline.
Comment: In summary, the currently available evidence indicates that the variant is pathogenic, but additional data are needed to prove that conclusively. Therefore, this variant has been classified as Likely Pathogenic. This variant disrupts the p.Gly313 amino acid residue in KCNQ2. Other variant(s) that disrupt this residue have been determined to be pathogenic (Invitae). This suggests that this residue is clinically significant, and that variants that disrupt this residue are likely to be disease-causing. Advanced modeling of protein sequence and biophysical properties (such as structural, functional, and spatial information, amino acid conservation, physicochemical variation, residue mobility, and thermodynamic stability) performed at Invitae indicates that this missense variant is expected to disrupt KCNQ2 protein function. ClinVar contains an entry for this variant (Variation ID: 205890). This variant has not been reported in the literature in individuals affected with KCNQ2-related conditions. This variant is not present in population databases (gnomAD no frequency). This sequence change replaces glycine, which is neutral and non-polar, with tryptophan, which is neutral and slightly polar, at codon 313 of the KCNQ2 protein (p.Gly313Trp).

GeneDx
Classification: Uncertain significance. Last evaluated: 2013-11-04. Review status: criteria provided, single submitter. Criteria: GeneDx Variant Classification (06012015). Collection method: clinical testing. Allele origin: germline. Affected: yes.
Comment: p.Gly313Trp (GGG>TGG): c.937 G>T in exon 7 of the KCNQ2 gene (NM_172107.2)The Gly313Trp missense change has not been published as a mutation, nor has it been reported as a benign polymorphism to our knowledge. It was not observed in approximately 6,500 individuals of European and African American ancestry in the NHLBI Exome Sequencing Project, indicating it is not a common benign variant in these populations. This variant is a conservative amino acid substitution, as Glycine and Tryptophan are both uncharged, non-polar amino acids. It alters a highly conserved position in the cytoplasmic domain of the protein, and other missense substitutions have been reported in this region of the protein in association with epilepsy. In silico analysis predicts this variant is probably damaging to the protein structure/function. Therefore, based on the currently available information, it is unclear whether Gly313Trp is a disease-causing mutation or a rare benign variant. The variant is found in EPILEPSY panel(s).

Literature cited by the submitters: PubMed 28133863 (cited by Ambry Genetics).